The following is an entry in ClinVar:

ClinVar aggregate classification (germline): Benign/Likely benign. Review status: criteria provided, multiple submitters, no conflicts (2 of 4 stars). 8 submissions from 6 submitters: Benign (6); Likely benign (1). 1 of the submissions does not count toward it. Last evaluated 2024-11-27.

Conditions:
Arterial calcification, generalized, of infancy, 2. Identifiers: Orphanet 51608, MedGen C3276161, MONDO:0013768, OMIM 614473.
Pseudoxanthoma elasticum, forme fruste. Also called: Pseudoxanthoma Elasticum, Incomplete; PSEUDOXANTHOMA ELASTICUM, HETEROZYGOUS. Identifiers: Orphanet 758, MedGen C1867450, MONDO:0008333, OMIM 177850.
Autosomal recessive inherited pseudoxanthoma elasticum (PXE). Identifiers: Orphanet 758, MedGen CN032334, MONDO:0009925, OMIM 264800.

Allele frequency attached by ClinVar (database versions not stated): gnomAD exomes 0.00265; ExAC 0.00690; ESP Exome Variant Server 0.00793; gnomAD 0.01340 and 0.01355; TOPMed 0.01498; 1000 Genomes Project 0.01957; 1000 Genomes Project 30x 0.02092.
gnomAD v4.1: 6,032 of 1,610,970 alleles (0.37%); highest among the groups gnomAD compares: African/African-American, 3.5%; 112 homozygotes.

Submissions (8):

Blueprint Genetics
Classification: Likely benign. Last evaluated: 2024-11-27. Review status: criteria provided, single submitter. Criteria: ACMG Guidelines, 2015. Collection method: clinical testing. Allele origin: germline.

Genome-Nilou Lab
Classification: Benign for Arterial calcification, generalized, of infancy, 2. Last evaluated: 2021-12-05. Review status: criteria provided, single submitter. Criteria: ACMG Guidelines, 2015. Collection method: clinical testing. Allele origin: germline. Affected: no.

Genome-Nilou Lab
Classification: Benign for Autosomal recessive inherited pseudoxanthoma elasticum. Last evaluated: 2021-12-05. Review status: criteria provided, single submitter. Criteria: ACMG Guidelines, 2015. Collection method: clinical testing. Allele origin: germline. Affected: no.

Genome-Nilou Lab
Classification: Benign for Pseudoxanthoma elasticum, forme fruste. Last evaluated: 2021-12-05. Review status: criteria provided, single submitter. Criteria: ACMG Guidelines, 2015. Collection method: clinical testing. Allele origin: germline. Affected: no.

Labcorp Genetics (formerly Invitae), Labcorp
Classification: Benign. Last evaluated: 2019-12-31. Review status: criteria provided, single submitter. Criteria: Invitae Variant Classification Sherloc (09022015). Collection method: clinical testing. Allele origin: germline.

GeneDx
Classification: Benign. Last evaluated: 2016-05-19. Review status: criteria provided, single submitter. Criteria: GeneDx Variant Classification (06012015). Collection method: clinical testing. Allele origin: germline. Affected: yes.
Comment: This variant is considered likely benign or benign based on one or more of the following criteria: it is a conservative change, it occurs at a poorly conserved position in the protein, it is predicted to be benign by multiple in silico algorithms, and/or has population frequency not consistent with disease.

Breakthrough Genomics
Classification: Benign. Review status: criteria provided, single submitter. Criteria: ACMG Guidelines, 2015. Collection method: not provided. Allele origin: germline. Inheritance: Autosomal recessive inheritance. Affected: yes.

PXE International
Classification: Benign for Autosomal recessive inherited pseudoxanthoma elasticum. Last evaluated: 2021-03-01. Review status: no assertion criteria provided. Collection method: research. Allele origin: germline. Inheritance: Autosomal recessive inheritance. Affected: yes. Not counted in ClinVar's aggregate classification.

NM_001171.6(ABCC6):c.1077A>G (p.Ser359=)

Gene: ABCC6 (ATP binding cassette subfamily C member 6; minus strand). Cytogenetic location: 16p13.11.
Variant type: single nucleotide variant.
Coding change: c.1077A>G on transcript NM_001171.6 (MANE Select); coding-DNA position 1077, A replaced by G.
Protein change: p.Ser359=; no amino-acid change (serine 359 retained).
Molecular consequence: synonymous variant. On other transcripts: non-coding transcript variant (1).
Genome position (GRCh38, 1-based): chr16:16,202,100, T>C on the plus strand (A>G on the coding strand, the complement: ABCC6 is on the minus strand). VCF-style: chr16-16202100-T-C. GRCh37 (hg19) VCF-style: chr16-16295957-T-C.
Other names: c.735A>G, p.Ser245= (NM_001351800.1).
Identifiers: ClinVar variation 379234 (VCV000379234.10), dbSNP rs72664283, ClinGen allele CA7926471.